The following is an entry in ClinVar:

ClinVar aggregate classification (germline): Benign/Likely benign. Review status: criteria provided, multiple submitters, no conflicts (2 of 4 stars). 6 submissions from 6 submitters: Benign (1); Likely benign (2). 3 of the submissions do not count toward it. Last evaluated 2026-02-01.

Conditions:
Joubert syndrome 21 (JBTS21). Identifiers: MedGen C3810212, MONDO:0014288, OMIM 615636.
CSPP1-related disorder. Also called: CSPP1-related condition.

Allele frequency attached by ClinVar (database versions not stated): gnomAD exomes 0.00046 and 0.00016; ExAC 0.00055; gnomAD 0.00173 and 0.00162; 1000 Genomes Project 30x 0.00187; 1000 Genomes Project 0.00140; TOPMed 0.00189; ESP Exome Variant Server 0.00173.
gnomAD v4.1: 498 of 1,614,100 alleles (0.031%); highest among the groups gnomAD compares: African/African-American, 0.53%; 1 homozygote.

Submissions (6):

Labcorp Genetics (formerly Invitae), Labcorp
Classification: Benign for Joubert syndrome 21. Last evaluated: 2026-02-01. Review status: criteria provided, single submitter. Criteria: Invitae Variant Classification Sherloc (09022015). Collection method: clinical testing. Allele origin: germline.

Blueprint Genetics
Classification: Likely benign. Last evaluated: 2024-11-25. Review status: criteria provided, single submitter. Criteria: ACMG Guidelines, 2015. Collection method: clinical testing. Allele origin: germline.

GeneDx
Classification: Likely benign. Last evaluated: 2021-10-30. Review status: criteria provided, single submitter. Criteria: GeneDx Variant Classification Process June 2021. Collection method: clinical testing. Allele origin: germline. Affected: yes.

PreventionGenetics, part of Exact Sciences
Classification: Likely benign for CSPP1-related condition. Last evaluated: 2020-03-27. Review status: no assertion criteria provided. Collection method: clinical testing. Allele origin: germline. Not counted in ClinVar's aggregate classification.
Comment: This variant is classified as likely benign based on ACMG/AMP sequence variant interpretation guidelines (Richards et al. 2015 PMID: 25741868, with internal and published modifications).

Clinical Genetics DNA and cytogenetics Diagnostics Lab, Erasmus MC, Erasmus Medical Center
Classification: Likely benign. Review status: no assertion criteria provided. Collection method: clinical testing. Allele origin: germline. Affected: yes. Study: VKGL Data-share Consensus. Not counted in ClinVar's aggregate classification.

Clinical Genetics, Academic Medical Center
Classification: Benign. Review status: no assertion criteria provided. Collection method: clinical testing. Allele origin: germline. Affected: yes. Study: VKGL Data-share Consensus. Not counted in ClinVar's aggregate classification.

NM_001382391.1(CSPP1):c.3285C>T (p.Pro1095=)

Genes: ARFGEF1 (ARF guanine nucleotide exchange factor 1; minus strand), CSPP1 (centrosome and spindle pole associated protein 1; plus strand). Cytogenetic location: 8q13.2.
Variant type: single nucleotide variant.
Coding change: c.3285C>T on transcript NM_001382391.1 (MANE Select); coding-DNA position 3285, C replaced by T.
Protein change: p.Pro1095=; no amino-acid change (proline 1095 retained).
Molecular consequence: synonymous variant. On other transcripts: intron variant (2).
Genome position (GRCh38, 1-based): chr8:67,190,714, C>T. VCF-style: chr8-67190714-C-T. GRCh37 (hg19) VCF-style: chr8-68102949-C-T.
Other names: c.2235C>T, p.Pro745= (NM_001291339.2); c.3204C>T, p.Pro1068= (NM_001363131.2); c.3090C>T, p.Pro1030= (NM_001363132.2); c.3009C>T, p.Pro1003= (NM_001363133.2); c.3351C>T, p.Pro1117= (NM_001364869.1); c.3171C>T, p.Pro1057= (NM_001364870.1); c.3117C>T, p.Pro1039= (NM_001438330.1); c.3270C>T, p.Pro1090= (NM_001438331.1, NM_024790.7); and 3 more.
Identifiers: ClinVar variation 380774 (VCV000380774.19), dbSNP rs201008264, ClinGen allele CA4771121.